The following is an entry in ClinVar:

ClinVar aggregate classification (germline): Uncertain significance (1 of 4 stars; one submission).

Allele frequency attached by ClinVar (database versions not stated): ExAC 0.00001; gnomAD 0.00001; TOPMed 0.00002; ESP Exome Variant Server 0.00008.
gnomAD v4.1: 5 of 1,613,920 alleles (0.00031%); highest among the groups gnomAD compares: African/African-American, 0.004%; no homozygotes.

Submission:

Labcorp Genetics (formerly Invitae), Labcorp
Classification: Uncertain significance. Last evaluated: 2025-06-12. Review status: criteria provided, single submitter. Criteria: Invitae Variant Classification Sherloc (09022015). Collection method: clinical testing. Allele origin: germline.
Comment: This sequence change replaces glycine, which is neutral and non-polar, with arginine, which is basic and polar, at codon 489 of the PLCE1 protein (p.Gly489Arg). This variant is present in population databases (rs377605811, gnomAD 0.008%). This variant has not been reported in the literature in individuals affected with PLCE1-related conditions. ClinVar contains an entry for this variant (Variation ID: 1910817). Invitae Evidence Modeling of protein sequence and biophysical properties (such as structural, functional, and spatial information, amino acid conservation, physicochemical variation, residue mobility, and thermodynamic stability) indicates that this missense variant is not expected to disrupt PLCE1 protein function with a negative predictive value of 80%. In summary, the available evidence is currently insufficient to determine the role of this variant in disease. Therefore, it has been classified as a Variant of Uncertain Significance.

NM_016341.4(PLCE1):c.1465G>A (p.Gly489Arg)

Gene: PLCE1 (phospholipase C epsilon 1; plus strand). Cytogenetic location: 10q23.33.
Variant type: single nucleotide variant.
Coding change: c.1465G>A on transcript NM_016341.4 (MANE Select); coding-DNA position 1465, G replaced by A.
Protein change: p.Gly489Arg; replaces glycine 489 with arginine.
Molecular consequence: missense variant.
Genome position (GRCh38, 1-based): chr10:94,132,432, G>A. VCF-style: chr10-94132432-G-A. GRCh37 (hg19) VCF-style: chr10-95892189-G-A.
Other names: c.541G>A, p.Gly181Arg (NM_001165979.2); c.1465G>A, p.Gly489Arg (NM_001288989.2); short protein forms G181R, G489R.
Identifiers: ClinVar variation 1910817 (VCV001910817.5), dbSNP rs377605811, ClinGen allele CA5612376.